The following is an entry in ClinVar:

ClinVar aggregate classification (germline): Uncertain significance (1 of 4 stars; one submission).

Conditions:
Paget disease of bone 2, early-onset (PDB2). Also called: Paget disease of bone 2. Identifiers: MedGen C4085251, MONDO:0011183, OMIM 602080.
Frontotemporal dementia and/or amyotrophic lateral sclerosis 1 (FTDALS1). Also called: Frontotemporal dementia with motor neuron disease 1; C9orf72 Frontotemporal Dementia and/or Amyotrophic Lateral Sclerosis. Identifiers: Orphanet 275872, MedGen C5779877, MONDO:0007105, OMIM 105550.

gnomAD v4.1: 5 of 1,614,164 alleles (0.00031%); highest among the groups gnomAD compares: Non-Finnish European, 0.00042%; no homozygotes.

Submission:

Labcorp Genetics (formerly Invitae), Labcorp
Classification: Uncertain significance for Paget disease of bone 2, early-onset; Frontotemporal dementia and/or amyotrophic lateral sclerosis 1. Last evaluated: 2023-12-15. Review status: criteria provided, single submitter. Criteria: Invitae Variant Classification Sherloc (09022015). Collection method: clinical testing. Allele origin: germline.
Comment: This sequence change replaces glycine, which is neutral and non-polar, with arginine, which is basic and polar, at codon 363 of the SQSTM1 protein (p.Gly363Arg). This variant is not present in population databases (gnomAD no frequency). This variant has not been reported in the literature in individuals affected with SQSTM1-related conditions. Advanced modeling of protein sequence and biophysical properties (such as structural, functional, and spatial information, amino acid conservation, physicochemical variation, residue mobility, and thermodynamic stability) performed at Invitae indicates that this missense variant is not expected to disrupt SQSTM1 protein function with a negative predictive value of 80%. In summary, the available evidence is currently insufficient to determine the role of this variant in disease. Therefore, it has been classified as a Variant of Uncertain Significance.

NM_003900.5(SQSTM1):c.1087G>A (p.Gly363Arg)

Gene: SQSTM1 (sequestosome 1; plus strand). Cytogenetic location: 5q35.3.
Variant type: single nucleotide variant.
Coding change: c.1087G>A on transcript NM_003900.5 (MANE Select); coding-DNA position 1087, G replaced by A.
Protein change: p.Gly363Arg; replaces glycine 363 with arginine.
Molecular consequence: missense variant.
Genome position (GRCh38, 1-based): chr5:179,833,704, G>A. VCF-style: chr5-179833704-G-A. GRCh37 (hg19) VCF-style: chr5-179260704-G-A.
Other names: c.835G>A, p.Gly279Arg (NM_001142298.2, NM_001142299.2); short protein forms G363R, G279R.
Identifiers: ClinVar variation 2923076 (VCV002923076.3), dbSNP rs2480248034, ClinGen allele CA362452850.